The following is an entry in ClinVar:

ClinVar aggregate classification (germline): Uncertain significance (1 of 4 stars; one submission).

Submission:

Ambry Genetics
Classification: Uncertain significance. Last evaluated: 2024-05-20. Review status: criteria provided, single submitter. Criteria: Ambry Variant Classification Scheme 2023. Collection method: clinical testing. Allele origin: germline.
Comment: The p.D274N variant (also known as c.820G>A), located in coding exon 10 of the NPAT gene, results from a G to A substitution at nucleotide position 820. The aspartic acid at codon 274 is replaced by asparagine, an amino acid with highly similar properties. This amino acid position is conserved. In addition, this alteration is predicted to be tolerated by in silico analysis. Based on the available evidence, the clinical significance of this variant remains unclear.

NM_002519.3(NPAT):c.820G>A (p.Asp274Asn)

Gene: NPAT (nuclear protein, coactivator of histone transcription; minus strand). Cytogenetic location: 11q22.3.
Variant type: single nucleotide variant.
Coding change: c.820G>A on transcript NM_002519.3 (MANE Select); coding-DNA position 820, G replaced by A.
Protein change: p.Asp274Asn; replaces aspartic acid 274 with asparagine.
Molecular consequence: missense variant.
Genome position (GRCh38, 1-based): chr11:108,185,318, C>T on the plus strand (G>A on the coding strand, the complement: NPAT is on the minus strand). VCF-style: chr11-108185318-C-T. GRCh37 (hg19) VCF-style: chr11-108056045-C-T.
Other names: c.820G>A, p.Asp274Asn (NM_001321307.1); short protein forms D274N.
Identifiers: ClinVar variation 3300696 (VCV003300696.1).